The following is an entry in ClinVar:

NM_000465.4(BARD1):c.679G>C (p.Gly227Arg)

Gene: BARD1 (BRCA1 associated RING domain 1; minus strand). Cytogenetic location: 2q35.
Variant type: single nucleotide variant.
Coding change: c.679G>C on transcript NM_000465.4 (MANE Select); coding-DNA position 679, G replaced by C.
Protein change: p.Gly227Arg; replaces glycine 227 with arginine.
Molecular consequence: missense variant. On other transcripts: non-coding transcript variant (2), intron variant (3).
Genome position (GRCh38, 1-based): chr2:214,781,195, C>G on the plus strand (G>C on the coding strand, the complement: BARD1 is on the minus strand). VCF-style: chr2-214781195-C-G. GRCh37 (hg19) VCF-style: chr2-215645919-C-G.
Other names: c.679G>C (NM_000465.2); c.622G>C, p.Gly208Arg (NM_001282543.2); c.158+28217G>C (NM_001282548.2); c.215+15866G>C (NM_001282545.2); c.364+11102G>C (NM_001282549.2); short protein forms G208R, G227R.
Identifiers: ClinVar variation 2094429 (VCV002094429.5), dbSNP rs1695002987, ClinGen allele CA350456451.

ClinVar aggregate classification (germline): Uncertain significance. Review status: criteria provided, multiple submitters, no conflicts (2 of 4 stars). 2 submissions from 2 submitters: Uncertain significance (2). Last evaluated 2024-03-21.

Conditions:
Hereditary cancer-predisposing syndrome. Also called: Hereditary neoplastic syndrome; Neoplastic Syndromes, Hereditary; Tumor predisposition; Hereditary Cancer Syndrome. Identifiers: Orphanet 140162, MedGen C0027672, MeSH D009386, MONDO:0015356.
Familial cancer of breast. Also called: Hereditary breast cancer; BREAST CANCER, FAMILIAL; hereditary breast carcinoma. Identifiers: Orphanet 227535, MedGen C0346153, MONDO:0016419, OMIM 114480. Disease mechanism: loss of function.

Submissions (2):

Ambry Genetics
Classification: Uncertain significance for Hereditary cancer-predisposing syndrome. Last evaluated: 2024-03-21. Review status: criteria provided, single submitter. Criteria: Ambry Variant Classification Scheme 2023. Collection method: clinical testing. Allele origin: germline.
Comment: The p.G227R variant (also known as c.679G>C), located in coding exon 4 of the BARD1 gene, results from a G to C substitution at nucleotide position 679. The glycine at codon 227 is replaced by arginine, an amino acid with dissimilar properties. This amino acid position is conserved. In addition, this alteration is predicted to be tolerated by in silico analysis. Based on the available evidence, the clinical significance of this alteration remains unclear.

Labcorp Genetics (formerly Invitae), Labcorp
Classification: Uncertain significance for Familial cancer of breast. Last evaluated: 2022-02-23. Review status: criteria provided, single submitter. Criteria: Invitae Variant Classification Sherloc (09022015). Collection method: clinical testing. Allele origin: germline.
Comment: In summary, the available evidence is currently insufficient to determine the role of this variant in disease. Therefore, it has been classified as a Variant of Uncertain Significance. Algorithms developed to predict the effect of missense changes on protein structure and function (SIFT, PolyPhen-2, Align-GVGD) all suggest that this variant is likely to be tolerated. This variant has not been reported in the literature in individuals affected with BARD1-related conditions. This variant is not present in population databases (gnomAD no frequency). This sequence change replaces glycine, which is neutral and non-polar, with arginine, which is basic and polar, at codon 227 of the BARD1 protein (p.Gly227Arg).